The following is an entry in ClinVar:

NM_000059.4(BRCA2):c.1706A>G (p.Gln569Arg)

Gene: BRCA2 (BRCA2 DNA repair associated; plus strand). Cytogenetic location: 13q13.1.
Variant type: single nucleotide variant.
Coding change: c.1706A>G on transcript NM_000059.4 (MANE Select); coding-DNA position 1706, A replaced by G.
Protein change: p.Gln569Arg; replaces glutamine 569 with arginine.
Molecular consequence: missense variant.
Genome position (GRCh38, 1-based): chr13:32,333,184, A>G. VCF-style: chr13-32333184-A-G. GRCh37 (hg19) VCF-style: chr13-32907321-A-G.
Other names: short protein forms Q569R.
Identifiers: ClinVar variation 580625 (VCV000580625.18), dbSNP rs1566224153, ClinGen allele CA387765272.
Genomic context (GRCh38, chr13:32,333,184, plus strand): 5'-AGGAGGACTCCTTATGTCCAAATTTAATTGATAATGGAAGCTGGCCAGCCACCACCACAC[A>G]GAATTCTGTAGCTTTGAAGAATGCAGGTTTAATATCCACTTTGAAAAAGAAAACAAATAA-3'
Protein context (NP_000050.3, residues 559-579): DNGSWPATTT[Gln569Arg]NSVALKNAGL

ClinVar aggregate classification (germline): Conflicting classifications of pathogenicity. Review status: criteria provided, conflicting classifications (1 of 4 stars). 5 submissions from 5 submitters: Uncertain significance (3); Likely benign (2). Last evaluated 2024-03-24.

Conditions:
BRCA2-related cancer predisposition. Identifiers: MedGen CN377758, MONDO:0700269.
Hereditary cancer-predisposing syndrome. Also called: Neoplastic Syndromes, Hereditary; Tumor predisposition; Hereditary neoplastic syndrome; Hereditary Cancer Syndrome. Identifiers: Orphanet 140162, MedGen C0027672, MeSH D009386, MONDO:0015356.
Hereditary breast ovarian cancer syndrome. Also called: Hereditary breast and ovarian cancer syndrome; Hereditary breast and ovarian cancer syndrome (HBOC); BRCA1- and BRCA2-Associated Hereditary Breast and Ovarian Cancer; Hereditary breast and/or ovarian cancer syndrome; Hereditary breast and ovarian cancer; Breast and ovarian cancer. Identifiers: Orphanet 145, MedGen C0677776, MeSH D061325, MONDO:0003582. Disease mechanism: loss of function.

Allele frequency attached by ClinVar (database versions not stated): gnomAD exomes below 0.00001; TOPMed below 0.00001.
gnomAD v4.1: 3 of 1,613,978 alleles (0.00019%); highest among the groups gnomAD compares: African/African-American, 0.004%; no homozygotes.

Submissions (5):

All of Us Research Program, National Institutes of Health
Classification: Uncertain significance for BRCA2-related cancer predisposition. Last evaluated: 2024-03-24. Review status: criteria provided, single submitter. Criteria: ACMG Guidelines, 2015. Collection method: clinical testing. Allele origin: germline. Inheritance: Autosomal dominant inheritance. Observed: 1 variant allele, 1 heterozygote.
Comment: This missense variant replaces glutamine with arginine at codon 569 of the BRCA2 protein. Computational prediction tools and conservation analyses suggest that this variant may not impact the protein function. Computational splicing tools suggest that this variant may not impact RNA splicing. To our knowledge, functional assays have not been performed for this variant nor has this variant been reported in individuals affected with hereditary cancer in the literature. This variant has not been identified in the general population by the Genome Aggregation Database (gnomAD). Available evidence is insufficient to determine the role of this variant in disease conclusively. Therefore, this variant is classified as a Variant of Uncertain Significance.

This study involves interpretation of variants in research participants for the purpose of population health screening. Participant phenotype was not available at the time of variant classification. Additional details can be found in publication PMID: 35346344, PMCID: PMC8962531

Color Diagnostics, LLC DBA Color Health
Classification: Uncertain significance for Hereditary cancer-predisposing syndrome. Last evaluated: 2024-03-13. Review status: criteria provided, single submitter. Criteria: ACMG Guidelines, 2015. Collection method: clinical testing. Allele origin: germline.
Comment: This missense variant replaces glutamine with arginine at codon 569 of the BRCA2 protein. Computational prediction suggests that this variant may not impact protein structure and function. To our knowledge, functional studies have not been reported for this variant. This variant has not been reported in individuals affected with BRCA2-related disorders in the literature. This variant has not been identified in the general population by the Genome Aggregation Database (gnomAD). The available evidence is insufficient to determine the role of this variant in disease conclusively. Therefore, this variant is classified as a Variant of Uncertain Significance.

Ambry Genetics
Classification: Likely benign for Hereditary cancer-predisposing syndrome. Last evaluated: 2024-02-02. Review status: criteria provided, single submitter. Criteria: Ambry Variant Classification Scheme 2023. Collection method: clinical testing. Allele origin: germline.

Labcorp Genetics (formerly Invitae), Labcorp
Classification: Uncertain significance for Hereditary breast ovarian cancer syndrome. Last evaluated: 2023-05-18. Review status: criteria provided, single submitter. Criteria: Invitae Variant Classification Sherloc (09022015). Collection method: clinical testing. Allele origin: germline.
Comment: This sequence change replaces glutamine, which is neutral and polar, with arginine, which is basic and polar, at codon 569 of the BRCA2 protein (p.Gln569Arg). This variant is not present in population databases (gnomAD no frequency). In summary, the available evidence is currently insufficient to determine the role of this variant in disease. Therefore, it has been classified as a Variant of Uncertain Significance. Advanced modeling of protein sequence and biophysical properties (such as structural, functional, and spatial information, amino acid conservation, physicochemical variation, residue mobility, and thermodynamic stability) performed at Invitae indicates that this missense variant is not expected to disrupt BRCA2 protein function. ClinVar contains an entry for this variant (Variation ID: 580625). This variant has not been reported in the literature in individuals affected with BRCA2-related conditions.

University of Washington Department of Laboratory Medicine, University of Washington
Classification: Likely benign for Hereditary cancer-predisposing syndrome. Last evaluated: 2023-03-23. Review status: criteria provided, single submitter. Criteria: Dines et al. (Genet Med. 2020). Collection method: curation. Allele origin: germline.
Comment: Missense variant in a coldspot region where missense variants are very unlikely to be pathogenic (PMID:31911673).

BRCA2 exon 10 coldspot. Reclassification based on statistical prior probability.